The following is an entry in ClinVar:

NC_000023.10:g.(?_19362156)_(19613138_?)dup

Genes: MAP3K15 (mitogen-activated protein kinase kinase kinase 15; minus strand), PDHA1 (pyruvate dehydrogenase E1 subunit alpha 1; plus strand), SH3KBP1 (SH3 domain containing kinase binding protein 1; minus strand). Cytogenetic location: Xp22.12.
Variant type: Duplication.
Identifiers: ClinVar variation 3246884 (VCV003246884.1).

ClinVar aggregate classification (germline): Uncertain significance (1 of 4 stars; one submission).

Submission:

Labcorp Genetics (formerly Invitae), Labcorp
Classification: Uncertain significance. Last evaluated: 2023-07-22. Review status: criteria provided, single submitter. Criteria: Invitae Variant Classification Sherloc (09022015). Collection method: clinical testing. Allele origin: unknown.
Comment: In summary, the available evidence is currently insufficient to determine the role of this variant in disease. Therefore, it has been classified as a Variant of Uncertain Significance. This variant has not been reported in the literature in individuals affected with SH3KBP1-related conditions. This variant results in a copy number gain of the genomic region encompassing exon(s) 10-18 of the SH3KBP1 gene. This region includes the termination codon of the gene. This copy number gain extends beyond the assayed region for this gene and therefore may encompass additional genes. As the precise location of this event is unknown, it may be in tandem or it may be located elsewhere in the genome.